The following is an entry in ClinVar:

NM_003482.4(KMT2D):c.14493G>A (p.Lys4831=)

Gene: KMT2D (lysine methyltransferase 2D; minus strand). Cytogenetic location: 12q13.12.
Variant type: single nucleotide variant.
Coding change: c.14493G>A on transcript NM_003482.4 (MANE Select); coding-DNA position 14493, G replaced by A.
Protein change: p.Lys4831=; no amino-acid change (lysine 4831 retained).
Molecular consequence: synonymous variant.
Genome position (GRCh38, 1-based): chr12:49,028,031, C>T on the plus strand (G>A on the coding strand, the complement: KMT2D is on the minus strand). VCF-style: chr12-49028031-C-T. GRCh37 (hg19) VCF-style: chr12-49421814-C-T.
Identifiers: ClinVar variation 1915940 (VCV001915940.30), dbSNP rs1201177798, ClinGen allele CA479706979.

ClinVar aggregate classification (germline): Likely benign. Review status: criteria provided, multiple submitters, no conflicts (2 of 4 stars). 3 submissions from 3 submitters: Likely benign (3). Last evaluated 2022-08-20.

Conditions:
Kabuki syndrome. Also called: NIIKAWA-KUROKI SYNDROME; Kabuki make-up syndrome. Identifiers: Orphanet 2322, MedGen C0796004, MONDO:0016512.

Allele frequency attached by ClinVar (database versions not stated): TOPMed below 0.00001; gnomAD exomes 0.00001.
gnomAD v4.1: 21 of 1,613,258 alleles (0.0013%); highest among the groups gnomAD compares: Non-Finnish European, 0.0018%; no homozygotes.

Submissions (3):

Labcorp Genetics (formerly Invitae), Labcorp
Classification: Likely benign for Kabuki syndrome. Last evaluated: 2022-08-20. Review status: criteria provided, single submitter. Criteria: Invitae Variant Classification Sherloc (09022015). Collection method: clinical testing. Allele origin: germline.

CeGaT Center for Human Genetics Tuebingen
Classification: Likely benign. Last evaluated: 2022-06-01. Review status: criteria provided, single submitter. Criteria: CeGaT Center For Human Genetics Tuebingen Variant Classification Criteria Version 2. Collection method: clinical testing. Allele origin: germline. Affected: yes. Observed: 1 variant allele.
Comment: KMT2D: BP4, BP7

Blueprint Genetics
Classification: Likely benign. Last evaluated: 2021-05-21. Review status: criteria provided, single submitter. Criteria: ACMG Guidelines, 2015. Collection method: clinical testing. Allele origin: germline.